The following is an entry in ClinVar:

NM_000199.5(SGSH):c.585G>C (p.Glu195Asp)

Gene: SGSH (N-sulfoglucosamine sulfohydrolase; minus strand). Cytogenetic location: 17q25.3.
Variant type: single nucleotide variant.
Coding change: c.585G>C on transcript NM_000199.5 (MANE Select); coding-DNA position 585, G replaced by C.
Protein change: p.Glu195Asp; replaces glutamic acid 195 with aspartic acid.
Molecular consequence: missense variant. On other transcripts: non-coding transcript variant (1).
Genome position (GRCh38, 1-based): chr17:80,214,250, C>G on the plus strand (G>C on the coding strand, the complement: SGSH is on the minus strand). VCF-style: chr17-80214250-C-G. GRCh37 (hg19) VCF-style: chr17-78188049-C-G.
Other names: c.585G>C, p.Glu195Asp (NM_001352921.3, NM_001352922.2); short protein forms E195D.
Identifiers: ClinVar variation 891714 (VCV000891714.11), dbSNP rs756193095, ClinGen allele CA8817940.

ClinVar aggregate classification (germline): Uncertain significance. Review status: criteria provided, multiple submitters, no conflicts (2 of 4 stars). 4 submissions from 4 submitters: Uncertain significance (4). Last evaluated 2022-07-19.

Conditions:
Inborn genetic diseases. Identifiers: MedGen C0950123, MeSH D030342.
Mucopolysaccharidosis, MPS-III-A (MPS3A). Also called: SANFILIPPO SYNDROME A; SULFAMIDASE DEFICIENCY; MPS III A; HEPARAN SULFATE SULFATASE DEFICIENCY; Mucopolysaccharidosis, type IIIA; MUCOPOLYSACCHARIDOSIS, TYPE IIIA, ATTENUATED. Identifiers: Orphanet 581, Orphanet 79269, MedGen C0086647, MONDO:0009655, OMIM 252900.

Allele frequency attached by ClinVar (database versions not stated): ExAC 0.00001; gnomAD 0.00003; gnomAD exomes 0.00004 and 0.00002; TOPMed 0.00003.
gnomAD v4.1: 58 of 1,613,164 alleles (0.0036%); highest among the groups gnomAD compares: Admixed American, 0.01%; no homozygotes.

Submissions (4):

Labcorp Genetics (formerly Invitae), Labcorp
Classification: Uncertain significance for Mucopolysaccharidosis, MPS-III-A. Last evaluated: 2022-07-19. Review status: criteria provided, single submitter. Criteria: Invitae Variant Classification Sherloc (09022015). Collection method: clinical testing. Allele origin: germline.
Comment: This sequence change replaces glutamic acid, which is acidic and polar, with aspartic acid, which is acidic and polar, at codon 195 of the SGSH protein (p.Glu195Asp). This variant is present in population databases (rs756193095, gnomAD 0.006%). This variant has not been reported in the literature in individuals affected with SGSH-related conditions. ClinVar contains an entry for this variant (Variation ID: 891714). Algorithms developed to predict the effect of missense changes on protein structure and function are either unavailable or do not agree on the potential impact of this missense change (SIFT: "Deleterious"; PolyPhen-2: "Possibly Damaging"; Align-GVGD: "Class C0"). In summary, the available evidence is currently insufficient to determine the role of this variant in disease. Therefore, it has been classified as a Variant of Uncertain Significance.

Genome-Nilou Lab
Classification: Uncertain significance for Mucopolysaccharidosis, MPS-III-A. Last evaluated: 2021-11-07. Review status: criteria provided, single submitter. Criteria: ACMG Guidelines, 2015. Collection method: clinical testing. Allele origin: germline. Affected: no.

Ambry Genetics
Classification: Uncertain significance for Inborn genetic diseases. Last evaluated: 2020-11-19. Review status: criteria provided, single submitter. Criteria: Ambry Variant Classification Scheme 2023. Collection method: clinical testing. Allele origin: germline.
Comment: The c.585G>C (p.E195D) alteration is located in exon 5 (coding exon 5) of the SGSH gene. This alteration results from a G to C substitution at nucleotide position 585, causing the glutamic acid (E) at amino acid position 195 to be replaced by an aspartic acid (D). The in silico prediction for the p.E195D alteration is inconclusive. Based on insufficient or conflicting evidence, the clinical significance of this alteration remains unclear.

Illumina Laboratory Services, Illumina
Classification: Uncertain significance for Mucopolysaccharidosis, MPS-III-A. Last evaluated: 2018-02-09. Review status: criteria provided, single submitter. Criteria: ICSL Variant Classification Criteria 13 December 2019. Collection method: clinical testing. Allele origin: germline.